The following is an entry in ClinVar:

ClinVar aggregate classification (germline): Likely pathogenic (1 of 4 stars; one submission).

Submission:

Genetic Services Laboratory, University of Chicago
Classification: Likely pathogenic. Last evaluated: 2025-06-30. Review status: criteria provided, single submitter. Criteria: ACMG Guidelines, 2015. Collection method: clinical testing. Allele origin: germline.
Comment: The c.6082T>A variant: Results in an amino acid change, p.Tyr2028Asn. Affects a highly conserved amino acid residue located in a domain of the PKD1 protein that is known to be functional. Appears to be deleterious using several in-silico pathogenicity prediction tools. Has not been described in the literature in individuals with PKD1-related disorders. However, two different pathogenic variants affecting the same amino acid residue (p.Tyr2028Asp and p.Tyr2028Cys) have been described in individuals with PKD1-related disorders (PMID: 26150605, PMID: 35478332). Has not been described in population databases such as gnomAD v4. Occurs in a region of the PKD1 gene where other missense variants have been described in individuals with PKD1-related disorders. ClinVar does not contain an entry for this variant. Collectively, this evidence indicates that this variant is likely pathogenic, however functional studies have not been performed to prove this conclusively.

NM_001009944.3(PKD1):c.6082T>A (p.Tyr2028Asn)

Gene: PKD1 (polycystin 1, transient receptor potential channel interacting; minus strand). Cytogenetic location: 16p13.3.
Variant type: single nucleotide variant.
Coding change: c.6082T>A on transcript NM_001009944.3 (MANE Select); coding-DNA position 6082, T replaced by A.
Protein change: p.Tyr2028Asn; replaces tyrosine 2028 with asparagine.
Molecular consequence: missense variant.
Genome position (GRCh38, 1-based): chr16:2,109,085, A>T on the plus strand (T>A on the coding strand, the complement: PKD1 is on the minus strand). VCF-style: chr16-2109085-A-T. GRCh37 (hg19) VCF-style: chr16-2159086-A-T.
Other names: c.6082T>A, p.Tyr2028Asn (NM_000296.4); short protein forms Y2028N.
Identifiers: ClinVar variation 5010246 (VCV005010246.1).